The following is an entry in ClinVar:

NM_033380.3(COL4A5):c.89A>G (p.Tyr30Cys)

Gene: COL4A5 (collagen type IV alpha 5 chain; plus strand). Cytogenetic location: Xq22.3.
Variant type: single nucleotide variant.
Coding change: c.89A>G on transcript NM_033380.3 (MANE Select); coding-DNA position 89, A replaced by G.
Protein change: p.Tyr30Cys; replaces tyrosine 30 with cysteine.
Molecular consequence: missense variant.
Genome position (GRCh38, 1-based): chrX:108,539,753, A>G. VCF-style: chrX-108539753-A-G. GRCh37 (hg19) VCF-style: chrX-107782983-A-G.
Other names: c.89A>G, p.Tyr30Cys (NM_000495.5); short protein forms Y30C.
Identifiers: ClinVar variation 499283 (VCV000499283.48), dbSNP rs150305490, ClinGen allele CA10488361.
Genomic context (GRCh38, chrX:108,539,753, plus strand): 5'-CTGATTTTTGGGTTCATATTTAATGATTTTTTCCCTCTTTCTCTTCCTTATAGGCTTGCT[A>G]TGGGTGTTCTCCAGGATCAAAGTGTGACTGCAGTGGCATAAAAGGGGAAAAGGTGAGGTC-3'
Protein context (NP_203699.1, residues 20-40): WGQPAEAAAC[Tyr30Cys]GCSPGSKCDC

ClinVar aggregate classification (germline): Conflicting classifications of pathogenicity. Review status: criteria provided, conflicting classifications (1 of 4 stars). 8 submissions from 8 submitters: Uncertain significance (1); Benign (1); Likely benign (4). 2 of the submissions do not count toward it. Last evaluated 2026-03-01.

Conditions:
COL4A5-related disorder. Also called: COL4A5-related condition.
X-linked Alport syndrome (ATS1). Also called: NEPHROPATHY AND DEAFNESS, X-LINKED; COL4A5-Related Nephropathy. Identifiers: Orphanet 63, Orphanet 88917, MedGen C4746986, MONDO:0010520, OMIM 301050.

Allele frequency attached by ClinVar (database versions not stated): TOPMed 0.00005; gnomAD 0.00008 and 0.00012; gnomAD exomes 0.00015 and 0.00027; ESP Exome Variant Server 0.00019; ExAC 0.00034; 1000 Genomes Project 0.00079; 1000 Genomes Project 30x 0.00083.
gnomAD v4.1: 189 of 1,206,228 alleles (0.016%); highest among the groups gnomAD compares: South Asian, 0.17%; 2 homozygotes.

Submissions (8):

CeGaT Center for Human Genetics Tuebingen
Classification: Likely benign. Last evaluated: 2026-03-01. Review status: criteria provided, single submitter. Criteria: CeGaT Center For Human Genetics Tuebingen Variant Classification Criteria Version 2. Collection method: clinical testing. Allele origin: germline. Affected: yes. Observed: 4 variant alleles.
Comment: COL4A5: BP4, BS2

Labcorp Genetics (formerly Invitae), Labcorp
Classification: Benign. Last evaluated: 2025-07-24. Review status: criteria provided, single submitter. Criteria: Invitae Variant Classification Sherloc (09022015). Collection method: clinical testing. Allele origin: germline.

Blueprint Genetics
Classification: Likely benign. Last evaluated: 2024-11-08. Review status: criteria provided, single submitter. Criteria: ACMG Guidelines, 2015. Collection method: clinical testing. Allele origin: germline.

Genome-Nilou Lab
Classification: Likely benign for X-linked Alport syndrome. Last evaluated: 2021-05-18. Review status: criteria provided, single submitter. Criteria: ACMG Guidelines, 2015. Collection method: clinical testing. Allele origin: germline. Affected: no.

GeneDx
Classification: Likely benign. Last evaluated: 2020-02-12. Review status: criteria provided, single submitter. Criteria: GeneDx Variant Classification Process June 2021. Collection method: clinical testing. Allele origin: germline. Affected: yes.

Eurofins Ntd Llc (ga)
Classification: Uncertain significance. Last evaluated: 2016-12-22. Review status: criteria provided, single submitter. Criteria: EGL Classification Definitions 2015. Collection method: clinical testing. Allele origin: germline. Observed: 1 variant allele, 1 hemizygote.

PreventionGenetics, part of Exact Sciences
Classification: Likely benign for COL4A5-related condition. Last evaluated: 2023-01-20. Review status: no assertion criteria provided. Collection method: clinical testing. Allele origin: germline. Not counted in ClinVar's aggregate classification.
Comment: This variant is classified as likely benign based on ACMG/AMP sequence variant interpretation guidelines (Richards et al. 2015 PMID: 25741868, with internal and published modifications).

Natera, Inc.
Classification: Likely benign for X-linked Alport syndrome. Last evaluated: 2019-10-28. Review status: no assertion criteria provided. Collection method: clinical testing. Allele origin: germline. Not counted in ClinVar's aggregate classification.